The following is an entry in ClinVar:

ClinVar aggregate classification (germline): Conflicting classifications of pathogenicity. Review status: criteria provided, conflicting classifications (1 of 4 stars). 2 submissions from 2 submitters: Likely pathogenic (1); Uncertain significance (1). Last evaluated 2025-08-15.

Conditions:
Hereditary cancer-predisposing syndrome. Also called: Hereditary Cancer Syndrome; Neoplastic Syndromes, Hereditary; Tumor predisposition; Hereditary neoplastic syndrome. Identifiers: Orphanet 140162, MedGen C0027672, MeSH D009386, MONDO:0015356.

Submissions (2):

Ambry Genetics
Classification: Likely pathogenic for Hereditary cancer-predisposing syndrome. Last evaluated: 2025-08-15. Review status: criteria provided, single submitter. Criteria: Ambry Variant Classification Scheme 2023. Collection method: clinical testing. Allele origin: germline.
Comment: The c.4777-10_4777-7delTCTCins30 intronic variant begins 10 nucleotides before coding exon 31 in the ATM gene. This variant results from a deletion of 4 nucleotides and the insertion of 30 nucleotides at nucleotide positions c.4777-10 to c.4777-7. This nucleotide region is not well conserved in available vertebrate species. In silico splice site analysis predicts that this alteration will weaken the native splice acceptor site. RNA studies have demonstrated that this alteration results in abnormal splicing in the set of samples tested (Ambry internal data). Based on the majority of available evidence to date, this variant is likely to be pathogenic.

Color Diagnostics, LLC DBA Color Health
Classification: Uncertain significance for Hereditary cancer-predisposing syndrome. Last evaluated: 2024-06-04. Review status: criteria provided, single submitter. Criteria: ACMG Guidelines, 2015. Collection method: clinical testing. Allele origin: germline.
Comment: This variant causes the deletion of 4 nucleotides and insertion of 30 nucleotides in intron 31/62 of the ATM gene. Splice site prediction tools predict that this variant may have a significant impact on RNA splicing. This variant has been reported to impact RNA splicing by an external laboratory, however, detailed data are not available for review (ClinVar Accession: SCV005017347.1). To our knowledge, functional studies have not been reported for this variant. This variant has not been reported in individuals affected with ATM-related disorders in the literature. This variant has not been identified in the general population by the Genome Aggregation Database (gnomAD). Although there is a suspicion that this variant may be associated with disease, additional studies are necessary to determine the role of this variant in disease conclusively. Therefore, this variant is classified as a Variant of Uncertain Significance.

NM_000051.4(ATM):c.4777-10_4777-7delinsCTCTTTTAGTTACATTTACATTTTAGTTAA

Gene: ATM (ATM serine/threonine kinase; plus strand). Cytogenetic location: 11q22.3.
Variant type: Indel.
Coding change: c.4777-10_4777-7delinsCTCTTTTAGTTACATTTACATTTTAGTTAA on transcript NM_000051.4 (MANE Select); 10 bases into the intron before coding-DNA position 4777 through 7 bases into the intron before coding-DNA position 4777, TCTC replaced by CTCTTTTAGTTACATTTACATTTTAGTTAA.
Molecular consequence: intron variant.
Genome position (GRCh38, 1-based): chr11:108,294,917-108,294,920, TCTC replaced by CTCTTTTAGTTACATTTACATTTTAGTTAA. GRCh37 (hg19): chr11:108,165,644-108,165,647.
Other names: c.4777-10_4777-7delinsCTCTTTTAGTTACATTTACATTTTAGTTAA (NM_001351834.2); c.4777-10_4777-7delTCTCinsCTCTTTTAGTTACATTTACATTTTAGTTAA (NM_000051.3).
Identifiers: ClinVar variation 489549 (VCV000489549.6), dbSNP rs1555101600, ClinGen allele CA658683119.